The following is an entry in ClinVar:

ClinVar aggregate classification (germline): Uncertain significance (1 of 4 stars; one submission).

gnomAD v4.1: 1 of 1,614,188 alleles (0.000062%); no homozygotes.

Submission:

Labcorp Genetics (formerly Invitae), Labcorp
Classification: Uncertain significance. Last evaluated: 2024-08-28. Review status: criteria provided, single submitter. Criteria: Invitae Variant Classification Sherloc (09022015). Collection method: clinical testing. Allele origin: germline.
Comment: This sequence change replaces aspartic acid, which is acidic and polar, with glycine, which is neutral and non-polar, at codon 435 of the SIAE protein (p.Asp435Gly). This variant is not present in population databases (gnomAD no frequency). This variant has not been reported in the literature in individuals affected with SIAE-related conditions. An algorithm developed to predict the effect of missense changes on protein structure and function (PolyPhen-2) suggests that this variant is likely to be tolerated. In summary, the available evidence is currently insufficient to determine the role of this variant in disease. Therefore, it has been classified as a Variant of Uncertain Significance.

NM_170601.5(SIAE):c.1304A>G (p.Asp435Gly)

Gene: SIAE (sialic acid acetylesterase; minus strand). Cytogenetic location: 11q24.2.
Variant type: single nucleotide variant.
Coding change: c.1304A>G on transcript NM_170601.5 (MANE Select); coding-DNA position 1304, A replaced by G.
Protein change: p.Asp435Gly; replaces aspartic acid 435 with glycine.
Molecular consequence: missense variant.
Genome position (GRCh38, 1-based): chr11:124,638,558, T>C on the plus strand (A>G on the coding strand, the complement: SIAE is on the minus strand). VCF-style: chr11-124638558-T-C. GRCh37 (hg19) VCF-style: chr11-124508454-T-C.
Other names: c.1199A>G, p.Asp400Gly (NM_001199922.2); short protein forms D400G, D435G.
Identifiers: ClinVar variation 3610144 (VCV003610144.2).